The following is an entry in ClinVar:

NM_001844.5(COL2A1):c.655-17C>T

Gene: COL2A1 (collagen type II alpha 1 chain; minus strand). Cytogenetic location: 12q13.11.
Variant type: single nucleotide variant.
Coding change: c.655-17C>T on transcript NM_001844.5 (MANE Select); 17 bases into the intron before coding-DNA position 655, C replaced by T.
Molecular consequence: intron variant.
Genome position (GRCh38, 1-based): chr12:47,995,780, G>A on the plus strand (C>T on the coding strand, the complement: COL2A1 is on the minus strand). VCF-style: chr12-47995780-G-A. GRCh37 (hg19) VCF-style: chr12-48389563-G-A.
Other names: c.448-17C>T (NM_033150.3).
Identifiers: ClinVar variation 509190 (VCV000509190.11), dbSNP rs372454816, ClinGen allele CA6535846.

ClinVar aggregate classification (germline): Benign/Likely benign. Review status: criteria provided, multiple submitters, no conflicts (2 of 4 stars). 4 submissions from 4 submitters: Benign (1); Likely benign (3). Last evaluated 2025-12-10.

Allele frequency attached by ClinVar (database versions not stated): gnomAD exomes 0.00002 and 0.00007; gnomAD 0.00024 and 0.00021; ESP Exome Variant Server 0.00054; ExAC 0.00009; TOPMed 0.00023.
gnomAD v4.1: 60 of 1,613,718 alleles (0.0037%); highest among the groups gnomAD compares: African/African-American, 0.072%; no homozygotes.

Submissions (4):

Labcorp Genetics (formerly Invitae), Labcorp
Classification: Likely benign. Last evaluated: 2025-12-10. Review status: criteria provided, single submitter. Criteria: Invitae Variant Classification Sherloc (09022015). Collection method: clinical testing. Allele origin: germline.

Women's Health and Genetics/Laboratory Corporation of America, LabCorp
Classification: Benign. Last evaluated: 2024-09-30. Review status: criteria provided, single submitter. Criteria: LabCorp Variant Classification Summary - May 2015. Collection method: clinical testing. Allele origin: germline.

Blueprint Genetics
Classification: Likely benign. Last evaluated: 2024-07-06. Review status: criteria provided, single submitter. Criteria: ACMG Guidelines, 2015. Collection method: clinical testing. Allele origin: germline.

GeneDx
Classification: Likely benign. Last evaluated: 2017-04-25. Review status: criteria provided, single submitter. Criteria: GeneDx Variant Classification (06012015). Collection method: clinical testing. Allele origin: germline. Affected: yes.
Comment: This variant is considered likely benign or benign based on one or more of the following criteria: it is a conservative change, it occurs at a poorly conserved position in the protein, it is predicted to be benign by multiple in silico algorithms, and/or has population frequency not consistent with disease.